The following is an entry in ClinVar:

NM_000257.4(MYH7):c.2162+4G>A

Gene: MYH7 (myosin heavy chain 7; minus strand). Cytogenetic location: 14q11.2.
Variant type: single nucleotide variant.
Coding change: c.2162+4G>A on transcript NM_000257.4 (MANE Select); 4 bases into the intron after coding-DNA position 2162, G replaced by A.
Molecular consequence: intron variant.
Genome position (GRCh38, 1-based): chr14:23,425,960, C>T on the plus strand (G>A on the coding strand, the complement: MYH7 is on the minus strand). VCF-style: chr14-23425960-C-T. GRCh37 (hg19) VCF-style: chr14-23895169-C-T.
Other names: NM_000257.3(MYH7):c.2162+4G>A; p.?.
Identifiers: ClinVar variation 42884 (VCV000042884.44), dbSNP rs145738465, ClinGen allele CA011799.

ClinVar aggregate classification (germline): Benign. Review status: reviewed by expert panel (3 of 4 stars). 22 submissions from 22 submitters: Benign (1). 21 of the submissions do not count toward it. Last evaluated 2025-11-11.

Conditions:
Congenital myopathy with fiber type disproportion. Also called: Congenital fiber-type disproportion myopathy; Congenital fiber-type disproportion. Identifiers: Orphanet 2020, MedGen C0546264, MONDO:0009711. Inheritance: all.
MYH7-related skeletal myopathy. Also called: Myopathy, distal, 1; MYOPATHY, DISTAL, EARLY-ONSET, AUTOSOMAL DOMINANT; MYOPATHY, LATE DISTAL HEREDITARY; Laing distal myopathy; Laing early-onset distal myopathy. Identifiers: Orphanet 59135, MedGen C4552004, MONDO:0008050, OMIM 160500.
Dilated cardiomyopathy 1S (CMD1S). Identifiers: Orphanet 154, Orphanet 54260, MedGen C1834481, MONDO:0013262, OMIM 613426.
Myopathy, myosin storage, autosomal recessive (CMYO7B). Also called: CONGENITAL MYOPATHY 7B, MYOSIN STORAGE, AUTOSOMAL RECESSIVE. Identifiers: Orphanet 636970, MedGen C1850709, MONDO:0009708, OMIM 255160.
Hypertrophic cardiomyopathy 1 (CMH1). Also called: Familial hypertrophic cardiomyopathy 1; MYH7-Related Familial Hypertrophic Cardiomyopathy. Identifiers: MedGen C3495498, MONDO:0008647, OMIM 192600.
Myosin storage myopathy (CMYO7A). Also called: MYH7-related late-onset scapuloperoneal muscular dystrophy; Congenital myopathy 7A, myosin storage, autosomal dominant; Scapuloperoneal myopathy, MYH7-related; MYOPATHY WITH LYSIS OF TYPE I MYOFIBRILS; SCAPULOPERONEAL MUSCULAR DYSTROPHY; SCAPULOPERONEAL SYNDROME, MYOPATHIC TYPE. Identifiers: Orphanet 437572, Orphanet 636965, MedGen C1842160, MONDO:0008409, OMIM 608358.
Cardiovascular phenotype. Identifiers: MedGen CN230736.
Cardiomyopathy (CMYO). Also called: Cardiomyopathies. Identifiers: Orphanet 167848, MedGen C0878544, MONDO:0004994, HP:0001638. Inheritance: Various modes of inheritance.
Hypertrophic cardiomyopathy. Also called: HYPERTROPHIC MYOCARDIOPATHY. Identifiers: Orphanet 217569, MedGen C0007194, MeSH D002312, MONDO:0005045, HP:0001639.

Allele frequency attached by ClinVar (database versions not stated): gnomAD exomes 0.00023 and 0.00063; ExAC 0.00081; ESP Exome Variant Server 0.00261; TOPMed 0.00306; 1000 Genomes Project 0.00220; gnomAD 0.00261 and 0.00276; 1000 Genomes Project 30x 0.00203.
gnomAD v4.1: 755 of 1,613,530 alleles (0.047%); highest among the groups gnomAD compares: African/African-American, 0.86%; 2 homozygotes.

Submissions (22):

ClinGen Cardiomyopathy Variant Curation Expert Panel
Classification: Benign for Hypertrophic cardiomyopathy. Last evaluated: 2025-11-11. Review status: reviewed by expert panel. Criteria: ClinGen CMP ACMG Specifications v1. Collection method: curation. Allele origin: germline. Inheritance: Autosomal dominant inheritance.
Comment: The filtering allele frequency of the c.2162+4G>A variant in the MYH7 gene is 0.75% (93/10406) of African chromosomes by the Exome Aggregation Consortium, which is a high enough frequency to be classified as benign based on thresholds defined by the ClinGen Inherited Cardiomyopathy Expert Panel (BA1; PMID:29300372). Additionally, computational prediction tools and conservation analysis suggest that this variant may not impact the protein (BP4).

CeGaT Center for Human Genetics Tuebingen
Classification: Likely benign. Last evaluated: 2026-09-01. Review status: criteria provided, single submitter. Criteria: CeGaT Center For Human Genetics Tuebingen Variant Classification Criteria Version 2. Collection method: clinical testing. Allele origin: germline. Affected: yes. Observed: 1 variant allele. Not counted in ClinVar's aggregate classification.
Comment: MYH7: BP4

Labcorp Genetics (formerly Invitae), Labcorp
Classification: Benign for Hypertrophic cardiomyopathy. Last evaluated: 2026-02-03. Review status: criteria provided, single submitter. Criteria: Invitae Variant Classification Sherloc (09022015). Collection method: clinical testing. Allele origin: germline. Not counted in ClinVar's aggregate classification.

ARUP Laboratories, Molecular Genetics and Genomics, ARUP Laboratories
Classification: Benign. Last evaluated: 2025-05-20. Review status: criteria provided, single submitter. Criteria: ARUP Molecular Germline Variant Investigation Process 2024. Collection method: clinical testing. Allele origin: germline. Not counted in ClinVar's aggregate classification.

Molecular Diagnostic Laboratory for Inherited Cardiovascular Disease, Montreal Heart Institute
Classification: Likely benign. Last evaluated: 2025-04-09. Review status: criteria provided, single submitter. Criteria: ACMG Guidelines, 2015. Collection method: clinical testing. Allele origin: germline. Affected: no. Not counted in ClinVar's aggregate classification.

All of Us Research Program, National Institutes of Health
Classification: Benign for Cardiomyopathy. Last evaluated: 2024-09-23. Review status: criteria provided, single submitter. Criteria: ACMG Guidelines, 2015. Collection method: clinical testing. Allele origin: germline. Inheritance: Autosomal dominant inheritance. Observed: 239 variant alleles, 239 heterozygotes. Not counted in ClinVar's aggregate classification.
Comment: This study involves interpretation of variants in research participants for the purpose of population health screening. Participant phenotype was not available at the time of variant classification. Additional details can be found in publication PMID: 35346344, PMCID: PMC8962531

Cohesion Phenomics
Classification: Benign for Hypertrophic Cardiomyopathy. Last evaluated: 2022-10-10. Review status: criteria provided, single submitter. Criteria: ACMG Guidelines, 2015. Collection method: clinical testing. Allele origin: germline. Affected: yes. Not counted in ClinVar's aggregate classification.

Fulgent Genetics
Classification: Benign for MYH7-related skeletal myopathy; Myosin storage myopathy; Hypertrophic cardiomyopathy 1; Myopathy, myosin storage, autosomal recessive; Congenital myopathy 4A, autosomal dominant; Dilated cardiomyopathy 1S. Last evaluated: 2021-07-27. Review status: criteria provided, single submitter. Criteria: ACMG Guidelines, 2015. Collection method: clinical testing. Allele origin: unknown. Not counted in ClinVar's aggregate classification.

Ambry Genetics
Classification: Likely benign for Cardiovascular phenotype. Last evaluated: 2019-01-03. Review status: criteria provided, single submitter. Criteria: Ambry Variant Classification Scheme 2023. Collection method: clinical testing. Allele origin: germline. Not counted in ClinVar's aggregate classification.

Color Diagnostics, LLC DBA Color Health
Classification: Benign for Cardiomyopathy. Last evaluated: 2018-10-16. Review status: criteria provided, single submitter. Criteria: ACMG Guidelines, 2015. Collection method: clinical testing. Allele origin: germline. Not counted in ClinVar's aggregate classification.

Mayo Clinic Laboratories, Mayo Clinic
Classification: Benign. Last evaluated: 2018-07-05. Review status: criteria provided, single submitter. Criteria: ACMG Guidelines, 2015. Collection method: clinical testing. Allele origin: germline. Observed: 8 variant alleles. Not counted in ClinVar's aggregate classification.

Athena Diagnostics
Classification: Benign. Last evaluated: 2018-01-26. Review status: criteria provided, single submitter. Criteria: Athena Diagnostics Criteria. Collection method: clinical testing. Allele origin: germline. Not counted in ClinVar's aggregate classification.

Institute for Genomic Medicine (IGM) Clinical Laboratory, Nationwide Children's Hospital
Classification: Likely benign. Last evaluated: 2017-10-04. Review status: criteria provided, single submitter. Criteria: ACMG Guidelines, 2015. Collection method: clinical testing. Allele origin: germline. Not counted in ClinVar's aggregate classification.
Comment: BS1, BP4, BP6; This alteration has an allele frequency that is greater than expected for the associated disease, is predicted to be tolerated by multiple functional prediction tools, and was reported as a benign/likely benign alteration by a reputable source (ClinVar or other correspondence from a clinical testing laboratory).

Laboratory for Molecular Medicine, Mass General Brigham Personalized Medicine
Classification: Likely benign. Last evaluated: 2015-03-21. Review status: criteria provided, single submitter. Criteria: LMM Criteria. Collection method: clinical testing. Allele origin: germline. Observed: 11 variant alleles. Not counted in ClinVar's aggregate classification.
Comment: c.2162+4G>A in intron 19 of MYH7: This variant is not expected to have clinical significance because it is not located within the splice consensus sequence and has been identified in 0.9% (93/10406) of African chromosomes by the Exome Aggre gation Consortium (ExAC; dbSNP rs145738465). Thi s cohort included 2 individuals who carried this variant in the homozygous state .

GeneDx
Classification: Benign. Last evaluated: 2015-03-03. Review status: criteria provided, single submitter. Criteria: GeneDx Variant Classification Process June 2021. Collection method: clinical testing. Allele origin: germline. Affected: yes. Not counted in ClinVar's aggregate classification.

Eurofins Ntd Llc (ga)
Classification: Benign. Last evaluated: 2015-01-23. Review status: criteria provided, single submitter. Criteria: EGL Classification Definitions 2015. Collection method: clinical testing. Allele origin: germline. Observed: 1 variant allele, 1 heterozygote. Not counted in ClinVar's aggregate classification.

PreventionGenetics, part of Exact Sciences
Classification: Likely benign. Review status: criteria provided, single submitter. Criteria: ACMG Guidelines, 2015. Collection method: clinical testing. Allele origin: germline. Not counted in ClinVar's aggregate classification.

Clinical Genetics DNA and cytogenetics Diagnostics Lab, Erasmus MC, Erasmus Medical Center
Classification: Benign. Review status: no assertion criteria provided. Collection method: clinical testing. Allele origin: germline. Affected: yes. Study: VKGL Data-share Consensus. Not counted in ClinVar's aggregate classification.

Clinical Genetics, Academic Medical Center
Classification: Benign. Review status: no assertion criteria provided. Collection method: clinical testing. Allele origin: germline. Affected: yes. Study: VKGL Data-share Consensus. Not counted in ClinVar's aggregate classification.

Diagnostic Laboratory, Department of Genetics, University Medical Center Groningen
Classification: Likely benign. Review status: no assertion criteria provided. Collection method: clinical testing. Allele origin: germline. Affected: yes. Study: VKGL Data-share Consensus. Not counted in ClinVar's aggregate classification.

Genome Diagnostics Laboratory, University Medical Center Utrecht
Classification: Benign. Review status: no assertion criteria provided. Collection method: clinical testing. Allele origin: germline. Affected: yes. Study: VKGL Data-share Consensus. Not counted in ClinVar's aggregate classification.

Laboratory of Diagnostic Genome Analysis, Leiden University Medical Center (LUMC)
Classification: Likely benign. Review status: no assertion criteria provided. Collection method: clinical testing. Allele origin: germline. Affected: yes. Study: VKGL Data-share Consensus. Not counted in ClinVar's aggregate classification.

Literature cited by the submitters: PubMed 29300372 (cited by ClinGen Cardiomyopathy Variant Curation Expert Panel); PubMed 27841901 (cited by Athena Diagnostics).